The following continues an entry in ClinVar:

NM_003985.6(TNK1):c.1398-2A>G

Gene: TNK1. ClinVar aggregate classification (germline): Benign.

Submissions 33 to 46 of 46:

Dr. Peter K. Rogan Lab, Western University
No classification provided (evidence only). Condition: Sarcoma. Review status: no classification provided. Collection method: in vitro. Allele origin: not applicable. Functional consequence: retained intron. Not counted in ClinVar's aggregate classification.

Dr. Peter K. Rogan Lab, Western University
No classification provided (evidence only). Condition: Sarcoma. Review status: no classification provided. Collection method: in vitro. Allele origin: not applicable. Functional consequence: retained intron. Not counted in ClinVar's aggregate classification.

Dr. Peter K. Rogan Lab, Western University
No classification provided (evidence only). Condition: Malignant lymphoma, large B-cell, diffuse. Review status: no classification provided. Collection method: in vitro. Allele origin: not applicable. Functional consequence: retained intron. Not counted in ClinVar's aggregate classification.

Dr. Peter K. Rogan Lab, Western University
No classification provided (evidence only). Condition: Thymoma. Review status: no classification provided. Collection method: in vitro. Allele origin: not applicable. Functional consequence: skipped exon, retained intron. Not counted in ClinVar's aggregate classification.

Dr. Peter K. Rogan Lab, Western University
No classification provided (evidence only). Condition: Thymoma. Review status: no classification provided. Collection method: in vitro. Allele origin: not applicable. Functional consequence: retained intron. Not counted in ClinVar's aggregate classification.

Dr. Peter K. Rogan Lab, Western University
No classification provided (evidence only). Condition: Thymoma. Review status: no classification provided. Collection method: in vitro. Allele origin: not applicable. Functional consequence: retained intron. Not counted in ClinVar's aggregate classification.

Dr. Peter K. Rogan Lab, Western University
No classification provided (evidence only). Condition: Thymoma. Review status: no classification provided. Collection method: in vitro. Allele origin: not applicable. Functional consequence: retained intron. Not counted in ClinVar's aggregate classification.

Dr. Peter K. Rogan Lab, Western University
No classification provided (evidence only). Condition: Thymoma. Review status: no classification provided. Collection method: in vitro. Allele origin: not applicable. Functional consequence: retained intron. Not counted in ClinVar's aggregate classification.

Dr. Peter K. Rogan Lab, Western University
No classification provided (evidence only). Condition: Thymoma. Review status: no classification provided. Collection method: in vitro. Allele origin: not applicable. Functional consequence: retained intron. Not counted in ClinVar's aggregate classification.

Dr. Peter K. Rogan Lab, Western University
No classification provided (evidence only). Condition: Cholangiocarcinoma. Review status: no classification provided. Collection method: in vitro. Allele origin: not applicable. Functional consequence: retained intron. Not counted in ClinVar's aggregate classification.

Dr. Peter K. Rogan Lab, Western University
No classification provided (evidence only). Condition: Cholangiocarcinoma. Review status: no classification provided. Collection method: in vitro. Allele origin: not applicable. Functional consequence: retained intron. Not counted in ClinVar's aggregate classification.

Dr. Peter K. Rogan Lab, Western University
No classification provided (evidence only). Condition: Cholangiocarcinoma. Review status: no classification provided. Collection method: in vitro. Allele origin: not applicable. Functional consequence: skipped exon, retained intron. Not counted in ClinVar's aggregate classification.

Dr. Peter K. Rogan Lab, Western University
No classification provided (evidence only). Condition: Cholangiocarcinoma. Review status: no classification provided. Collection method: in vitro. Allele origin: not applicable. Functional consequence: retained intron. Not counted in ClinVar's aggregate classification.

Dr. Peter K. Rogan Lab, Western University
No classification provided (evidence only). Condition: Lymphoma. Review status: no classification provided. Collection method: in vitro. Allele origin: not applicable. Functional consequence: skipped exon. Not counted in ClinVar's aggregate classification.